The following is an entry in ClinVar:

ClinVar aggregate classification (germline): Likely benign. Review status: criteria provided, multiple submitters, no conflicts (2 of 4 stars). 2 submissions from 2 submitters: Likely benign (2). Last evaluated 2026-03-01.

Conditions:
Neurofibromatosis, type 1 (NF1). Also called: NEUROFIBROMATOSIS, TYPE I, SOMATIC; Neurofibromatosis, type I; VON RECKLINGHAUSEN DISEASE; Peripheral type neurofibromatosis. Identifiers: Orphanet 636, MedGen C0027831, MONDO:0018975, OMIM 162200. Disease mechanism: loss of function.
NF1-related disorder. Also called: NF1-related condition. Identifiers: MedGen CN379171.

Allele frequency attached by ClinVar (database versions not stated): gnomAD exomes below 0.00001; gnomAD 0.00001 and 0.00002; TOPMed 0.00001.
gnomAD v4.1: 4 of 1,612,256 alleles (0.00025%); highest among the groups gnomAD compares: Middle Eastern, 0.017%; no homozygotes.

Submissions (2):

PreventionGenetics, part of Exact Sciences
Classification: Likely benign for NF1-related condition. Last evaluated: 2026-03-01. Review status: criteria provided, single submitter. Criteria: ACMG Guidelines, 2015. Collection method: clinical testing. Allele origin: germline.
Comment: This variant is classified as likely benign based on ACMG/AMP sequence variant interpretation guidelines (Richards et al. 2015 PMID: 25741868, with internal and published modifications).

Labcorp Genetics (formerly Invitae), Labcorp
Classification: Likely benign for Neurofibromatosis, type 1. Last evaluated: 2026-01-13. Review status: criteria provided, single submitter. Criteria: Invitae Variant Classification Sherloc (09022015). Collection method: clinical testing. Allele origin: germline.

NM_001042492.3(NF1):c.7458-20C>G

Gene: NF1 (neurofibromin 1; plus strand). Cytogenetic location: 17q11.2.
Variant type: single nucleotide variant.
Coding change: c.7458-20C>G on transcript NM_001042492.3 (MANE Select); 20 bases into the intron before coding-DNA position 7458, C replaced by G.
Molecular consequence: intron variant.
Genome position (GRCh38, 1-based): chr17:31,352,237, C>G. VCF-style: chr17-31352237-C-G. GRCh37 (hg19) VCF-style: chr17-29679255-C-G.
Other names: c.7395-20C>G (NM_000267.4, NM_000267.3).
Identifiers: ClinVar variation 1581280 (VCV001581280.9), dbSNP rs1281985112, ClinGen allele CA625474687.